The following is an entry in ClinVar:

ClinVar aggregate classification (germline): Uncertain significance (1 of 4 stars; one submission).

Submission:

Women's Health and Genetics/Laboratory Corporation of America, LabCorp
Classification: Uncertain significance. Last evaluated: 2023-08-04. Review status: criteria provided, single submitter. Criteria: LabCorp Variant Classification Summary - May 2015. Collection method: clinical testing. Allele origin: germline.
Comment: Variant summary: The variant identified by MLPA or other technology involves the duplication of exons 5-9 in the CYP11B2 gene, which includes the last exon of the gene. The exact breakpoint at the 3' end of this variant is unknown and therefore this duplication might extend downstream of the assayed region of this gene. A presumed nomenclature of c.(799+1_800-1)_(*1422_?)dup has been designated for the purposes of this classification. It has been assumed that this is a tandem duplication in direct orientation (Richardson_GIM_2018, Newman_AJHG_2015). Since the exact breakpoints of this duplication are not known, it is not possible to predict the protein level effect of this variant. The variant was absent in 21690 control chromosomes in the gnomAD database (structural variants dataset). The available data on variant occurrences in the general population are insufficient to allow any conclusion about variant significance. To our knowledge, no occurrence of c.(799+1_800-1)_(*1422_?)dup in individuals affected with Familial Hypoaldosteronism and no experimental evidence demonstrating its impact on protein function have been reported. No submitters have cited clinical-significance assessments for this variant to ClinVar after 2014. In conclusion, while it may be assumed that duplication variants including a larger DNA segment downstream of the gene might result in regular transcription- and translation termination with an unaffected protein product, however shorter tandem duplication variants involving the last exon may result in a frameshift or in-frame duplication change, or can affect the 3' UTR end of the mRNA, which might be associated with disease. In addition, duplications involving the 3' part of the CYP11B2 gene, together with the 5' part of the downstream located CYP11B1 gene, have been reported to result in an in-frame fusion gene product, where the expression of the hybrid transcript is regulated by the promoter of the CYP11B1 gene, resulting in glucocorticoid-remediable aldosteronism (GRA) disease phenotype (see e.g. PMIDs 1731223, 1518866, 20808686, 1472060). Since it is not possible to distinguish between these outcomes in the context of this evaluation, the variant was classified as uncertain significance.

NC_000008.10:g.(?_143991974)_(143995835_143996120)dup

Gene: CYP11B2 (cytochrome P450 family 11 subfamily B member 2; minus strand). Cytogenetic location: 8q24.3.
Variant type: Duplication.
Identifiers: ClinVar variation 2581485 (VCV002581485.1).